The following is an entry in ClinVar:

ClinVar aggregate classification (germline): Uncertain significance. Review status: criteria provided, multiple submitters, no conflicts (2 of 4 stars). 10 submissions from 10 submitters: Uncertain significance (9). 1 of the submissions does not count toward it. Last evaluated 2025-08-25.

Conditions:
Sarcoglycanopathy. Identifiers: Orphanet 207052, MedGen C2936331, MONDO:0016140.
Autosomal recessive limb-girdle muscular dystrophy type 2D (LGMDR3). Also called: MUSCULAR DYSTROPHY, LIMB-GIRDLE, AUTOSOMAL RECESSIVE 3; DUCHENNE-LIKE AUTOSOMAL RECESSIVE MUSCULAR DYSTROPHY, TYPE 2; ADHALINOPATHY, PRIMARY. Identifiers: Orphanet 62, MedGen C2936332, MONDO:0011968, OMIM 608099. Disease mechanism: Affects gamma-sarcoglycan and also disrupts the integrity of the entire sarcoglycan complex..

Allele frequency attached by ClinVar (database versions not stated): ExAC 0.00011; TOPMed 0.00012; ESP Exome Variant Server 0.00015; gnomAD 0.00016 and 0.00017; gnomAD exomes 0.00024 and 0.00027.
gnomAD v4.1: 361 of 1,613,940 alleles (0.022%); highest among the groups gnomAD compares: Non-Finnish European, 0.019%; no homozygotes.

Submissions (10):

Myriad Genetics, Inc.
Classification: Uncertain significance for Autosomal recessive limb-girdle muscular dystrophy type 2D. Last evaluated: 2025-08-25. Review status: criteria provided, single submitter. Criteria: Myriad Autosomal Dominant, Autosomal Recessive and X-Linked Classification Criteria (2023). Collection method: clinical testing. Allele origin: unknown.
Comment: NM_000023.2(SGCA):c.929A>G(Y310C) is a missense variant classified as a variant of uncertain significance in the context of alpha-sarcoglycanopathy. Y310C has not been observed in cases with relevant disease. Relevant functional assessments of this variant are not available in the literature. Y310C has been observed in referenced population frequency databases. In summary, there is insufficient evidence to classify NM_000023.2(SGCA):c.929A>G(Y310C) as pathogenic or benign. Please note: this variant was assessed in the context of healthy population screening.

Labcorp Genetics (formerly Invitae), Labcorp
Classification: Uncertain significance for Autosomal recessive limb-girdle muscular dystrophy type 2D. Last evaluated: 2024-10-22. Review status: criteria provided, single submitter. Criteria: Invitae Variant Classification Sherloc (09022015). Collection method: clinical testing. Allele origin: germline.
Comment: This sequence change replaces tyrosine, which is neutral and polar, with cysteine, which is neutral and slightly polar, at codon 310 of the SGCA protein (p.Tyr310Cys). This variant is present in population databases (rs145252144, gnomAD 0.2%). This variant has not been reported in the literature in individuals affected with SGCA-related conditions. ClinVar contains an entry for this variant (Variation ID: 282511). Invitae Evidence Modeling of protein sequence and biophysical properties (such as structural, functional, and spatial information, amino acid conservation, physicochemical variation, residue mobility, and thermodynamic stability) indicates that this missense variant is expected to disrupt SGCA protein function with a positive predictive value of 95%. In summary, the available evidence is currently insufficient to determine the role of this variant in disease. Therefore, it has been classified as a Variant of Uncertain Significance.

Blueprint Genetics
Classification: Uncertain significance. Last evaluated: 2024-10-16. Review status: criteria provided, single submitter. Criteria: ACMG Guidelines, 2015. Collection method: clinical testing. Allele origin: germline.

Genome-Nilou Lab
Classification: Uncertain significance for Autosomal recessive limb-girdle muscular dystrophy type 2D. Last evaluated: 2023-02-08. Review status: criteria provided, single submitter. Criteria: ACMG Guidelines, 2015. Collection method: clinical testing. Allele origin: germline.

GeneDx
Classification: Uncertain significance. Last evaluated: 2021-04-09. Review status: criteria provided, single submitter. Criteria: GeneDx Variant Classification Process June 2021. Collection method: clinical testing. Allele origin: germline. Affected: yes.
Comment: In silico analysis, which includes protein predictors and evolutionary conservation, supports a deleterious effect; Has not been previously published as pathogenic or benign to our knowledge

Revvity Omics, Revvity
Classification: Uncertain significance for Autosomal recessive limb-girdle muscular dystrophy type 2D. Last evaluated: 2020-10-26. Review status: criteria provided, single submitter. Criteria: ACMG Guidelines, 2015. Collection method: clinical testing. Allele origin: germline.

Eurofins Ntd Llc (ga)
Classification: Uncertain significance. Last evaluated: 2018-02-14. Review status: criteria provided, single submitter. Criteria: EGL ClinVar v180209 classification definitions. Collection method: clinical testing. Allele origin: germline. Observed: 3 variant alleles, 3 heterozygotes.

ARUP Laboratories, Molecular Genetics and Genomics, ARUP Laboratories
Classification: Uncertain significance. Last evaluated: 2018-01-22. Review status: criteria provided, single submitter. Criteria: ARUP Molecular Germline Variant Investigation Process. Collection method: clinical testing. Allele origin: germline.
Comment: The SGCA c.929A>G; p.Tyr310Cys variant (rs145252144), to our knowledge, is not reported in the medical literature, gene specific variation databases, nor has it been previously identified by our laboratory. This variant is listed in the genome Aggregation Database (gnomAD) with a Finnish population frequency of 0.2% (identified on 45 out of 25,774 chromosomes) and is classified as a variant of unknown significance in ClinVar (ID: 282511). The tyrosine at position 310 is highly conserved and computational analyses of the effects of the p.Tyr310Cys variant on protein structure and function make conflicting predictions (SIFT: tolerated, MutationTaster: disease causing, PolyPhen-2: probably damaging). Based on the available information, the clinical significance of the p.Tyr310Cys variant cannot be determined with certainty.

Illumina Laboratory Services, Illumina
Classification: Uncertain significance for Sarcoglycanopathy. Last evaluated: 2018-01-13. Review status: criteria provided, single submitter. Criteria: ICSL Variant Classification Criteria 13 December 2019. Collection method: clinical testing. Allele origin: germline.

Natera, Inc.
Classification: Uncertain significance for Limb-girdle muscular dystrophy type 2D. Last evaluated: 2020-02-12. Review status: no assertion criteria provided. Collection method: clinical testing. Allele origin: germline. Not counted in ClinVar's aggregate classification.

NM_000023.4(SGCA):c.929A>G (p.Tyr310Cys)

Gene: SGCA (sarcoglycan alpha; plus strand). Cytogenetic location: 17q21.33.
Variant type: single nucleotide variant.
Coding change: c.929A>G on transcript NM_000023.4 (MANE Select); coding-DNA position 929, A replaced by G.
Protein change: p.Tyr310Cys; replaces tyrosine 310 with cysteine.
Molecular consequence: missense variant. On other transcripts: intron variant (1).
Genome position (GRCh38, 1-based): chr17:50,170,324, A>G. VCF-style: chr17-50170324-A-G. GRCh37 (hg19) VCF-style: chr17-48247685-A-G.
Other names: c.585-316A>G (NM_001135697.3); c.929A>G (LRG_203t1); short protein forms Y310C.
Identifiers: ClinVar variation 282511 (VCV000282511.32), dbSNP rs145252144, ClinGen allele CA8643945.
Genomic context (GRCh38, chr17:50,170,324, plus strand): 5'-CTCTGGTCACCCTCCTGGTGCCCCTGCTGGTGGCCCTGCTTCTCACCTTGCTGCTGGCCT[A>G]TGTCATGTGCTGCCGGCGGGAGGGAAGGTGAATGTGGGCATGAAGGGCGGGGGAGCACCT-3'
Protein context (NP_000014.1, residues 300-320): VALLLTLLLA[Tyr310Cys]VMCCRREGRL